The following is an entry in ClinVar:

NM_000516.7(GNAS):c.432+14C>G

Gene: GNAS (GNAS complex locus; plus strand). Cytogenetic location: 20q13.32.
Variant type: single nucleotide variant.
Coding change: c.432+14C>G on transcript NM_000516.7 (MANE Select); 14 bases into the intron after coding-DNA position 432, C replaced by G.
Molecular consequence: intron variant.
Genome position (GRCh38, 1-based): chr20:58,903,805, C>G. VCF-style: chr20-58903805-C-G. GRCh37 (hg19) VCF-style: chr20-57478860-C-G.
Other names: c.*338+14C>G (NM_016592.5); c.336+14C>G (NM_001410912.1); c.255+14C>G (NM_001309861.2, NM_001309840.2); c.*293+14C>G (NM_001077490.3); c.2361+14C>G (NM_080425.4); c.2316+14C>G (NM_001410913.1); c.435+14C>G (NM_001077488.5); c.390+14C>G (NM_080426.4); and 1 more.
Identifiers: ClinVar variation 3233504 (VCV003233504.2), dbSNP rs758468758, ClinGen allele CA2825002838.

ClinVar aggregate classification (germline): Likely benign (1 of 4 stars; one submission).

Submission:

Women's Health and Genetics/Laboratory Corporation of America, LabCorp
Classification: Likely benign. Last evaluated: 2024-03-12. Review status: criteria provided, single submitter. Criteria: LabCorp Variant Classification Summary - May 2015. Collection method: clinical testing. Allele origin: germline.
Comment: Variant summary: GNAS c.432+14C>G alters a non-conserved nucleotide located at a position not widely known to affect splicing. Consensus agreement among computation tools predict no significant impact on normal splicing. However, these predictions have yet to be confirmed by functional studies. The variant was absent in 251488 control chromosomes. The available data on variant occurrences in the general population are insufficient to allow any conclusion about variant significance. To our knowledge, no occurrence of c.432+14C>G in individuals affected with GNAS-Related Disorders and no experimental evidence demonstrating its impact on protein function have been reported. No submitters have cited clinical-significance assessments for this variant to ClinVar. Based on the evidence outlined above, the variant was classified as likely benign.